The following is an entry in ClinVar:

NM_001243766.2(POMGNT1):c.-50-678_-50-661dup

Genes: POMGNT1 (protein O-linked mannose N-acetylglucosaminyltransferase 1 (beta 1,2-); minus strand), LOC129930471 (ATAC-STARR-seq lymphoblastoid silent region 837; plus strand). Cytogenetic location: 1p34.1.
Variant type: Duplication.
Coding change: c.-50-678_-50-661dup on transcript NM_001243766.2; 678 bases into the intron before 50 bases upstream of the start codon through 661 bases into the intron before 50 bases upstream of the start codon, 18 bases duplicated (TGCCGCCACCGCCGCCGC).
Molecular consequence: intron variant.
Genome position (GRCh38, 1-based): chr1:46,198,532-46,198,549, GCGGCGGCGGTGGCGGCA duplicated on the plus strand (TGCCGCCACCGCCGCCGC on the coding strand, the reverse complement: POMGNT1 is on the minus strand); duplicating any 18 consecutive bases within chr1:46,198,532-46,198,555 gives the same sequence; the c. name uses the placement nearest the transcript's 3' end. VCF-style (leftmost placement, unchanged base first): chr1-46198531-G-GGCGGCGGCGGTGGCGGCA. GRCh37 (hg19) VCF-style: chr1-46664203-G-GGCGGCGGCGGTGGCGGCA.
Identifiers: ClinVar variation 4985282 (VCV004985282.1).

ClinVar aggregate classification (germline): Likely benign (1 of 4 stars; one submission).

Conditions:
POMGNT1-related disorder. Also called: POMGNT1-related condition; POMGNT1-related disorders. Identifiers: MedGen CN239299.

Submission:

PreventionGenetics, part of Exact Sciences
Classification: Likely benign for POMGNT1-related condition. Last evaluated: 2025-12-30. Review status: criteria provided, single submitter. Criteria: ACMG Guidelines, 2015. Collection method: clinical testing. Allele origin: germline.
Comment: This variant is classified as likely benign based on ACMG/AMP sequence variant interpretation guidelines (Richards et al. 2015 PMID: 25741868, with internal and published modifications).